The following is an entry in ClinVar:

NM_000435.3(NOTCH3):c.252_253del (p.Gly85fs)

Gene: NOTCH3 (notch receptor 3; minus strand). Cytogenetic location: 19p13.12.
Variant type: Deletion.
Coding change: c.252_253del on transcript NM_000435.3 (MANE Select); coding-DNA positions 252 to 253, 2 bases deleted (AG; older notation c.252_253delAG).
Protein change: p.Gly85fs; shifts the reading frame from glycine 85.
Molecular consequence: frameshift variant.
Genome position (GRCh38, 1-based): chr19:15,192,464-15,192,465, CT deleted on the plus strand (AG on the coding strand, the reverse complement: NOTCH3 is on the minus strand). VCF-style (leftmost placement, unchanged base first): chr19-15192463-CCT-C. GRCh37 (hg19) VCF-style: chr19-15303274-CCT-C.
Other names: short protein forms G85fs.
Identifiers: ClinVar variation 3646262 (VCV003646262.2).

ClinVar aggregate classification (germline): Pathogenic (1 of 4 stars; one submission).

Submission:

Labcorp Genetics (formerly Invitae), Labcorp
Classification: Pathogenic. Last evaluated: 2025-03-07. Review status: criteria provided, single submitter. Criteria: Invitae Variant Classification Sherloc (09022015). Collection method: clinical testing. Allele origin: germline.
Comment: This sequence change creates a premature translational stop signal (p.Gly85Profs*31) in the NOTCH3 gene. It is expected to result in an absent or disrupted protein product. Loss-of-function variants in NOTCH3 are known to be pathogenic (PMID: 25870235, 32980981, 38824264). This variant is not present in population databases (gnomAD no frequency). This variant has not been observed in the literature in individuals with autosomal recessive NOTCH3-related conditions. This variant has been reported in individual(s) with clinical features of autosomal dominant NOTCH3-related conditions (internal data); however, the role of the variant in this condition is currently unclear. For these reasons, this variant has been classified as Pathogenic.

Literature cited by the submitters: PubMed 25870235; PubMed 32980981; PubMed 38824264.